The following is an entry in ClinVar:

ClinVar aggregate classification (germline): Uncertain significance (1 of 4 stars; one submission).

Conditions:
Cardiovascular phenotype. Identifiers: MedGen CN230736.

Submission:

Ambry Genetics
Classification: Uncertain significance for Cardiovascular phenotype. Last evaluated: 2022-10-17. Review status: criteria provided, single submitter. Criteria: Ambry Variant Classification Scheme 2023. Collection method: clinical testing. Allele origin: germline.
Comment: The p.F297L variant (also known as c.891T>G), located in coding exon 11 of the TMEM43 gene, results from a T to G substitution at nucleotide position 891. The phenylalanine at codon 297 is replaced by leucine, an amino acid with highly similar properties. This amino acid position is conserved. In addition, the in silico prediction for this alteration is inconclusive. Since supporting evidence is limited at this time, the clinical significance of this alteration remains unclear.

NM_024334.3(TMEM43):c.891T>G (p.Phe297Leu)

Gene: TMEM43 (transmembrane protein 43; plus strand). Cytogenetic location: 3p25.1.
Variant type: single nucleotide variant.
Coding change: c.891T>G on transcript NM_024334.3 (MANE Select); coding-DNA position 891, T replaced by G.
Protein change: p.Phe297Leu; replaces phenylalanine 297 with leucine.
Molecular consequence: missense variant.
Genome position (GRCh38, 1-based): chr3:14,139,188, T>G. VCF-style: chr3-14139188-T-G. GRCh37 (hg19) VCF-style: chr3-14180688-T-G.
Other names: c.885T>G, p.Phe295Leu (NM_001407277.1); c.876T>G, p.Phe292Leu (NM_001407278.1); c.816T>G, p.Phe272Leu (NM_001407279.1); c.741T>G, p.Phe247Leu (NM_001407280.1); c.894T>G, p.Phe298Leu (NM_001407274.1); c.888T>G, p.Phe296Leu (NM_001407275.1, NM_001407276.1); short protein forms F272L, F298L, F292L, F247L, F297L, F295L, F296L.
Identifiers: ClinVar variation 1765129 (VCV001765129.2), dbSNP rs1317000470, ClinGen allele CA351536093.